The following is an entry in ClinVar:

NM_000268.4(NF2):c.1465_1467del (p.Ala489del)

Gene: NF2 (NF2, moesin-ezrin-radixin like (MERLIN) tumor suppressor; plus strand). Cytogenetic location: 22q12.2.
Variant type: Deletion.
Coding change: c.1465_1467del on transcript NM_000268.4 (MANE Select); coding-DNA positions 1465 to 1467, 3 bases deleted (GCA; older notation c.1465_1467delGCA).
Protein change: p.Ala489del; deletes alanine 489.
Molecular consequence: inframe deletion. On other transcripts: non-coding transcript variant (1), intron variant (1).
Genome position (GRCh38, 1-based): chr22:29,678,214-29,678,216, GCA deleted; deleting any 3 consecutive bases within chr22:29,678,212-29,678,216 gives the same sequence; the c. name uses the placement nearest the transcript's 3' end. VCF-style (leftmost placement, unchanged base first): chr22-29678211-CCAG-C. GRCh37 (hg19) VCF-style: chr22-30074200-CCAG-C.
Other names: c.1465_1467del, p.Ala489del (NM_016418.5, NM_181825.3, NM_181832.3); c.1339_1341del, p.Ala447del (NM_181828.3); c.1342_1344del, p.Ala448del (NM_181829.3); c.1216_1218del, p.Ala406del (NM_181830.3, NM_181831.3); c.448-16538_448-16536del (NM_181833.3); short protein forms A448del, A489del, A447del, A406del.
Identifiers: ClinVar variation 819187 (VCV000819187.5), dbSNP rs1601658938, ClinGen allele CA915952873.

ClinVar aggregate classification (germline): Uncertain significance (1 of 4 stars; one submission).

Conditions:
Hereditary cancer-predisposing syndrome. Also called: Tumor predisposition; Hereditary neoplastic syndrome; Neoplastic Syndromes, Hereditary; Hereditary Cancer Syndrome. Identifiers: Orphanet 140162, MedGen C0027672, MeSH D009386, MONDO:0015356.

Submission:

Ambry Genetics
Classification: Uncertain significance for Hereditary cancer-predisposing syndrome. Last evaluated: 2025-06-24. Review status: criteria provided, single submitter. Criteria: Ambry Variant Classification Scheme 2023. Collection method: clinical testing. Allele origin: germline.
Comment: The c.1465_1467delGCA variant (also known as p.A489del) is located in coding exon 14 of the NF2 gene. This variant results from an in-frame GCA deletion at nucleotide positions 1465 to 1467. This results in the in-frame deletion of an alanine at codon 489. This amino acid position is not well conserved in available vertebrate species. In addition, this variant is predicted to be neutral by in silico analysis (Choi Y et al. PLoS ONE. 2012; 7(10):e46688). Since supporting evidence is limited at this time, the clinical significance of this alteration remains unclear.